The following is an entry in ClinVar:

ClinVar aggregate classification (germline): Benign/Likely benign. Review status: criteria provided, multiple submitters, no conflicts (2 of 4 stars). 4 submissions from 4 submitters: Benign (2); Likely benign (2). Last evaluated 2026-09-01.

Conditions:
Developmental and epileptic encephalopathy, 5 (DEE5). Identifiers: Orphanet 3451, MedGen C3150731, MONDO:0013277, OMIM 613477.
Early-infantile DEE. Also called: Ohtahara syndrome; Early infantile epileptic encephalopathy; Early infantile epileptic encephalopathy with suppression bursts. Identifiers: Orphanet 1934, MedGen C0393706, MONDO:0800491.

Allele frequency attached by ClinVar (database versions not stated): gnomAD 0.00001 and 0.00002; ExAC 0.00002; gnomAD exomes 0.00002; TOPMed 0.00002; 1000 Genomes Project 30x 0.00016; 1000 Genomes Project 0.00020.
gnomAD v4.1: 21 of 1,614,162 alleles (0.0013%); highest among the groups gnomAD compares: African/African-American, 0.0067%; no homozygotes.

Submissions (4):

CeGaT Center for Human Genetics Tuebingen
Classification: Likely benign. Last evaluated: 2026-09-01. Review status: criteria provided, single submitter. Criteria: CeGaT Center For Human Genetics Tuebingen Variant Classification Criteria Version 2. Collection method: clinical testing. Allele origin: germline. Affected: yes. Observed: 2 variant alleles.
Comment: SPTAN1: BP4, BP7

Labcorp Genetics (formerly Invitae), Labcorp
Classification: Likely benign for Early-infantile DEE. Last evaluated: 2025-05-16. Review status: criteria provided, single submitter. Criteria: Invitae Variant Classification Sherloc (09022015). Collection method: clinical testing. Allele origin: germline.

Genome-Nilou Lab
Classification: Benign for Developmental and epileptic encephalopathy, 5. Last evaluated: 2021-07-15. Review status: criteria provided, single submitter. Criteria: ACMG Guidelines, 2015. Collection method: clinical testing. Allele origin: germline. Affected: no.

GeneDx
Classification: Benign. Last evaluated: 2015-03-09. Review status: criteria provided, single submitter. Criteria: GeneDx Variant Classification (06012015). Collection method: clinical testing. Allele origin: germline. Affected: yes.
Comment: This variant is considered likely benign or benign based on one or more of the following criteria: it is a conservative change, it occurs at a poorly conserved position in the protein, it is predicted to be benign by multiple in silico algorithms, and/or has population frequency not consistent with disease.

NM_001130438.3(SPTAN1):c.1092A>G (p.Gln364=)

Gene: SPTAN1 (spectrin alpha, non-erythrocytic 1; plus strand). Cytogenetic location: 9q34.11.
Variant type: single nucleotide variant.
Coding change: c.1092A>G on transcript NM_001130438.3 (MANE Select); coding-DNA position 1092, A replaced by G.
Protein change: p.Gln364=; no amino-acid change (glutamine 364 retained).
Molecular consequence: synonymous variant.
Genome position (GRCh38, 1-based): chr9:128,578,116, A>G. VCF-style: chr9-128578116-A-G. GRCh37 (hg19) VCF-style: chr9-131340395-A-G.
Other names: c.1092A>G, p.Gln364= (NM_001195532.2, NM_001363759.2, NM_001363765.2 and 1 more transcripts).
Identifiers: ClinVar variation 378650 (VCV000378650.26), dbSNP rs570171059, ClinGen allele CA5264323.
Genomic context (GRCh38, chr9:128,578,116, plus strand): 5'-TTCCACCCTGGAACCTCCGCTGGAAACATAATGTCTTCCTTTGGTTTTCCCTAGGCTTCA[A>G]CGCTTCCTTGCTGACTTCCGTGACCTCACCAGCTGGGTGACTGAGATGAAAGCCCTCATC-3'
Protein context (NP_001123910.1, residues 354-374): HARLNDSYRL[Gln364=]RFLADFRDLT